The following is an entry in ClinVar:

NM_000551.4(VHL):c.165G>A (p.Glu55=)

Gene: VHL (von Hippel-Lindau tumor suppressor; plus strand). Cytogenetic location: 3p25.3.
Variant type: single nucleotide variant.
Coding change: c.165G>A on transcript NM_000551.4 (MANE Select); coding-DNA position 165, G replaced by A.
Protein change: p.Glu55=; no amino-acid change (glutamic acid 55 retained).
Molecular consequence: synonymous variant.
Genome position (GRCh38, 1-based): chr3:10,142,012, G>A. VCF-style: chr3-10142012-G-A. GRCh37 (hg19) VCF-style: chr3-10183696-G-A.
Other names: c.165G>A, p.Glu55= (NM_001354723.2, NM_198156.3).
Identifiers: ClinVar variation 486721 (VCV000486721.19), dbSNP rs1553619391, ClinGen allele CA432536364.

ClinVar aggregate classification (germline): Benign/Likely benign. Review status: criteria provided, multiple submitters, no conflicts (2 of 4 stars). 5 submissions from 5 submitters: Benign (1); Likely benign (4). Last evaluated 2025-08-03.

Conditions:
Chuvash polycythemia. Also called: POLYCYTHEMIA, VHL-DEPENDENT. Identifiers: Orphanet 238557, MedGen C1837915, MONDO:0009892, OMIM 263400.
Von Hippel-Lindau syndrome (VHLS). Also called: VHL syndrome; Von Hippel-Lindau; von Hippel–Lindau syndrome. Identifiers: Orphanet 892, MedGen C0019562, MONDO:0008667, OMIM 193300. Disease mechanism: loss of function.
Hereditary cancer-predisposing syndrome. Also called: Tumor predisposition; Neoplastic Syndromes, Hereditary; Hereditary Cancer Syndrome; Hereditary neoplastic syndrome. Identifiers: Orphanet 140162, MedGen C0027672, MeSH D009386, MONDO:0015356.

Allele frequency attached by ClinVar (database versions not stated): gnomAD exomes 0.00001.
gnomAD v4.1: 13 of 1,589,068 alleles (0.00082%); highest among the groups gnomAD compares: Non-Finnish European, 0.0011%; no homozygotes.

Submissions (5):

Labcorp Genetics (formerly Invitae), Labcorp
Classification: Likely benign for Von Hippel-Lindau syndrome; Chuvash polycythemia. Last evaluated: 2025-08-03. Review status: criteria provided, single submitter. Criteria: Invitae Variant Classification Sherloc (09022015). Collection method: clinical testing. Allele origin: germline.

Myriad Genetics, Inc.
Classification: Benign for Von Hippel-Lindau syndrome. Last evaluated: 2025-06-10. Review status: criteria provided, single submitter. Criteria: Myriad Autosomal Dominant, Autosomal Recessive and X-Linked Classification Criteria (2023). Collection method: clinical testing. Allele origin: unknown.
Comment: This variant is considered benign. This variant is a silent/synonymous amino acid change and it is not expected to impact splicing.

Ambry Genetics
Classification: Likely benign for Hereditary cancer-predisposing syndrome. Last evaluated: 2023-12-18. Review status: criteria provided, single submitter. Criteria: Ambry Variant Classification Scheme 2023. Collection method: clinical testing. Allele origin: germline.

All of Us Research Program, National Institutes of Health
Classification: Likely benign for Von Hippel-Lindau syndrome. Last evaluated: 2023-08-15. Review status: criteria provided, single submitter. Criteria: ACMG Guidelines, 2015. Collection method: clinical testing. Allele origin: germline. Inheritance: Autosomal dominant inheritance. Observed: 1 variant allele, 1 heterozygote.
Comment: This study involves interpretation of variants in research participants for the purpose of population health screening. Participant phenotype was not available at the time of variant classification. Additional details can be found in publication PMID: 35346344, PMCID: PMC8962531

Color Diagnostics, LLC DBA Color Health
Classification: Likely benign for Von Hippel-Lindau syndrome. Last evaluated: 2023-08-03. Review status: criteria provided, single submitter. Criteria: ACMG Guidelines, 2015. Collection method: clinical testing. Allele origin: germline.

Literature cited by the submitters: PubMed 9829912 (cited by Ambry Genetics).